The following is an entry in ClinVar:

NC_000020.11:g.44160273_44160294delinsG

Gene: JPH2 (junctophilin 2; minus strand). Cytogenetic location: 20q13.12.
Variant type: Indel.
Genome position: GRCh38 VCF-style: chr20-44160273-TGCTGTGCTCGCTGCGCAGGGA-G. GRCh37 (hg19) VCF-style: chr20-42788913-TGCTGTGCTCGCTGCGCAGGGA-G.
Other names: c.493_514delinsC, p.Ser165_Asn172delinsHis (LRG_394t1).
Identifiers: ClinVar variation 525012 (VCV000525012.5), dbSNP rs1555858801, ClinGen allele CA658799364.
Genomic context (GRCh38, chr20:44,160,273, plus strand): 5'-AGGGCAGCGCGGGGCCGTCGGAGGCCGGCGAGGCGGGAGAGTCCGGGGCCACCGTGCCGT[TGCTGTGCTCGCTGCGCAGGGA>G]CGACAGCGACGTGCGCAGCGGCGAGCGCACCACCACGGCCATCCCGTAGGGCACGCTCTG-3'

ClinVar aggregate classification (germline): Uncertain significance (1 of 4 stars; one submission).

Conditions:
Hypertrophic cardiomyopathy. Also called: HYPERTROPHIC MYOCARDIOPATHY. Identifiers: Orphanet 217569, MedGen C0007194, MeSH D002312, MONDO:0005045, HP:0001639.

Submission:

Labcorp Genetics (formerly Invitae), Labcorp
Classification: Uncertain significance for Hypertrophic cardiomyopathy. Last evaluated: 2018-04-15. Review status: criteria provided, single submitter. Criteria: Invitae Variant Classification Sherloc (09022015). Collection method: clinical testing. Allele origin: germline.
Comment: In summary, the available evidence is currently insufficient to determine the role of this variant in disease. Therefore, it has been classified as a Variant of Uncertain Significance. Experimental studies and prediction algorithms are not available for this variant, and the functional significance of the disrupted amino acids is currently unknown. This variant has not been reported in the literature in individuals with JPH2-related disease. While this variant is not present in population databases, the frequency information is unreliable, as metrics indicate poor data quality at this position in the ExAC database. This sequence change deletes 22 nucleotides and inserts 1 nucleotide in exon 2 of the JPH2 mRNA (c.493_514delinsC). This leads to the replacement of 8 amino acids by an histidine residue in the JPH2 protein (p.Ser165_Asn172delinsHis), but otherwise preserves the integrity of the reading frame.